The following is an entry in ClinVar:

NM_021222.3(PRUNE1):c.369G>C (p.Glu123Asp)

Gene: PRUNE1 (prune exopolyphosphatase 1; plus strand). Cytogenetic location: 1q21.3.
Variant type: single nucleotide variant.
Coding change: c.369G>C on transcript NM_021222.3 (MANE Select); coding-DNA position 369, G replaced by C.
Protein change: p.Glu123Asp; replaces glutamic acid 123 with aspartic acid.
Molecular consequence: missense variant. On other transcripts: 5 prime UTR variant (1), intron variant (1).
Genome position (GRCh38, 1-based): chr1:151,024,644, G>C. VCF-style: chr1-151024644-G-C. GRCh37 (hg19) VCF-style: chr1-150997120-G-C.
Other names: c.-178G>C (NM_001303229.2); c.369G>C, p.Glu123Asp (NM_001303242.2); c.77-2589G>C (NM_001303243.2); short protein forms E123D.
Identifiers: ClinVar variation 1977569 (VCV001977569.5), dbSNP rs762922023, ClinGen allele CA1083764.

ClinVar aggregate classification (germline): Uncertain significance (1 of 4 stars; one submission).

gnomAD v4.1: 5 of 1,612,606 alleles (0.00031%); highest among the groups gnomAD compares: East Asian, 0.011%; no homozygotes.

Submission:

Labcorp Genetics (formerly Invitae), Labcorp
Classification: Uncertain significance. Last evaluated: 2022-07-07. Review status: criteria provided, single submitter. Criteria: Invitae Variant Classification Sherloc (09022015). Collection method: clinical testing. Allele origin: germline.
Comment: In summary, the available evidence is currently insufficient to determine the role of this variant in disease. Therefore, it has been classified as a Variant of Uncertain Significance. Algorithms developed to predict the effect of missense changes on protein structure and function are either unavailable or do not agree on the potential impact of this missense change (SIFT: "Tolerated"; PolyPhen-2: "Possibly Damaging"; Align-GVGD: "Class C0"). This variant has not been reported in the literature in individuals affected with PRUNE1-related conditions. This variant is present in population databases (rs762922023, gnomAD 0.02%). This sequence change replaces glutamic acid, which is acidic and polar, with aspartic acid, which is acidic and polar, at codon 123 of the PRUNE1 protein (p.Glu123Asp).